The following is an entry in ClinVar:

NM_001079802.2(FKTN):c.1153A>T (p.Lys385Ter)

Gene: FKTN (fukutin; plus strand). Cytogenetic location: 9q31.2.
Variant type: single nucleotide variant.
Coding change: c.1153A>T on transcript NM_001079802.2 (MANE Select); coding-DNA position 1153, A replaced by T.
Protein change: p.Lys385Ter; replaces lysine 385 with a stop codon.
Molecular consequence: nonsense. On other transcripts: non-coding transcript variant (2).
Genome position (GRCh38, 1-based): chr9:105,620,042, A>T. VCF-style: chr9-105620042-A-T. GRCh37 (hg19) VCF-style: chr9-108382323-A-T.
Other names: c.1153A>T, p.Lys385Ter (NM_001198963.2, NM_001351496.2, NM_001351498.2 and 1 more transcripts); c.1084A>T, p.Lys362Ter (NM_001351497.2); c.757A>T, p.Lys253Ter (NM_001351499.2, NM_001351500.2, NM_001351501.2 and 1 more transcripts); short protein forms K362*, K385*, K253*.
Identifiers: ClinVar variation 649651 (VCV000649651.10), dbSNP rs1588222602, ClinGen allele CA374377944.

ClinVar aggregate classification (germline): Pathogenic/Likely pathogenic. Review status: criteria provided, multiple submitters, no conflicts (2 of 4 stars). 3 submissions from 3 submitters: Pathogenic (1); Likely pathogenic (2). Last evaluated 2024-11-28.

Conditions:
Dilated cardiomyopathy 1X (CMD1X). Also called: FKTN-Related Dilated Cardiomyopathy; CARDIOMYOPATHY, DILATED, WITH MILD OR NO PROXIMAL MUSCLE WEAKNESS. Identifiers: Orphanet 154, MedGen C1969024, MONDO:0012704, OMIM 611615.
Walker-Warburg congenital muscular dystrophy. Also called: Muscular dystrophy-dystroglycanopathy, type A; Walker-Warburg syndrome. Identifiers: Orphanet 899, MedGen C0265221, MONDO:0000171.

Allele frequency attached by ClinVar (database versions not stated): gnomAD exomes 0.00001.
gnomAD v4.1: 4 of 1,612,296 alleles (0.00025%); highest among the groups gnomAD compares: Non-Finnish European, 0.00034%; no homozygotes.

Submissions (3):

Natera, Inc.
Classification: Likely pathogenic for Walker-Warburg congenital muscular dystrophy. Last evaluated: 2024-11-28. Review status: criteria provided, single submitter. Criteria: Natera Variant Classification Schema (03/2026). Collection method: clinical testing. Allele origin: germline.
Comment: The c.1153A>T variant in FKTN is a nonsense variant predicted to introduce a stop codon at amino acid 385. This variant is expected to result in nonsense mediated decay, truncation, or a dysfunctional protein product. This variant is rare in the general population with a frequency below the threshold expected for the associated phenotype(s). Given the available evidence, this variant is classified as Likely Pathogenic.

Labcorp Genetics (formerly Invitae), Labcorp
Classification: Pathogenic for Walker-Warburg congenital muscular dystrophy. Last evaluated: 2023-03-26. Review status: criteria provided, single submitter. Criteria: Invitae Variant Classification Sherloc (09022015). Collection method: clinical testing. Allele origin: germline.
Comment: For these reasons, this variant has been classified as Pathogenic. This variant disrupts a region of the FKTN protein in which other variant(s) (p.Phe390Ilefs*14) have been determined to be pathogenic (PMID: 17878207, 18177472, 18752264, 19266496, 27065010). This suggests that this is a clinically significant region of the protein, and that variants that disrupt it are likely to be disease-causing. ClinVar contains an entry for this variant (Variation ID: 649651). This variant has not been reported in the literature in individuals affected with FKTN-related conditions. This variant is not present in population databases (gnomAD no frequency). This sequence change creates a premature translational stop signal (p.Lys385*) in the FKTN gene. While this is not anticipated to result in nonsense mediated decay, it is expected to disrupt the last 77 amino acid(s) of the FKTN protein.

Baylor Genetics
Classification: Likely pathogenic for Dilated cardiomyopathy 1X. Last evaluated: 2023-01-18. Review status: criteria provided, single submitter. Criteria: ACMG Guidelines, 2015. Collection method: clinical testing. Allele origin: unknown.

Literature cited by the submitters: PubMed 17878207 (cited by Labcorp Genetics (formerly Invitae), Labcorp); PubMed 18177472 (cited by Labcorp Genetics (formerly Invitae), Labcorp); PubMed 18752264 (cited by Labcorp Genetics (formerly Invitae), Labcorp); PubMed 19266496 (cited by Labcorp Genetics (formerly Invitae), Labcorp); PubMed 27065010 (cited by Labcorp Genetics (formerly Invitae), Labcorp).